The following is an entry in ClinVar:

NM_004415.4(DSP):c.7990A>G (p.Thr2664Ala)

Gene: DSP (desmoplakin; plus strand). Cytogenetic location: 6p24.3.
Variant type: single nucleotide variant.
Coding change: c.7990A>G on transcript NM_004415.4 (MANE Select); coding-DNA position 7990, A replaced by G.
Protein change: p.Thr2664Ala; replaces threonine 2664 with alanine.
Molecular consequence: missense variant.
Genome position (GRCh38, 1-based): chr6:7,585,252, A>G. VCF-style: chr6-7585252-A-G. GRCh37 (hg19) VCF-style: chr6-7585485-A-G.
Other names: c.6193A>G, p.Thr2065Ala (NM_001008844.3); c.6661A>G, p.Thr2221Ala (NM_001319034.2); short protein forms T2065A, T2221A, T2664A.
Identifiers: ClinVar variation 964582 (VCV000964582.13), dbSNP rs1260154229, ClinGen allele CA362694211.

ClinVar aggregate classification (germline): Conflicting classifications of pathogenicity. Review status: criteria provided, conflicting classifications (1 of 4 stars). 2 submissions from 2 submitters: Uncertain significance (1); Likely benign (1). Last evaluated 2025-08-29.

Conditions:
Cardiovascular phenotype. Identifiers: MedGen CN230736.
Arrhythmogenic right ventricular dysplasia 8 (ARVD8). Also called: ARRHYTHMOGENIC RIGHT VENTRICULAR CARDIOMYOPATHY 8; Arrhythmogenic Right Ventricular Dysplasia/Cardiomyopathy 8; ARRHYTHMOGENIC RIGHT VENTRICULAR DYSPLASIA, FAMILIAL, 8. Identifiers: MedGen C1843896, MONDO:0011831, OMIM 607450.
Arrhythmogenic cardiomyopathy with wooly hair and keratoderma. Also called: Carvajal syndrome; Arrhythmogenic cardiomyopathy with woolly hair and keratoderma; Dilated cardiomyopathy with woolly hair and keratoderma; PALMOPLANTAR KERATODERMA WITH LEFT VENTRICULAR CARDIOMYOPATHY AND WOOLLY HAIR. Identifiers: Orphanet 65282, MedGen C1854063, MONDO:0011581, OMIM 605676.

Allele frequency attached by ClinVar (database versions not stated): gnomAD 0.00001.
gnomAD v4.1: 1 of 1,614,030 alleles (0.000062%); highest among the groups gnomAD compares: African/African-American, 0.0013%; no homozygotes.

Submissions (2):

Labcorp Genetics (formerly Invitae), Labcorp
Classification: Likely benign for Arrhythmogenic cardiomyopathy with wooly hair and keratoderma; Arrhythmogenic right ventricular dysplasia 8. Last evaluated: 2025-08-29. Review status: criteria provided, single submitter. Criteria: Invitae Variant Classification Sherloc (09022015). Collection method: clinical testing. Allele origin: germline.

Ambry Genetics
Classification: Uncertain significance for Cardiovascular phenotype. Last evaluated: 2025-03-31. Review status: criteria provided, single submitter. Criteria: Ambry Variant Classification Scheme 2023. Collection method: clinical testing. Allele origin: germline.
Comment: The p.T2664A variant (also known as c.7990A>G), located in coding exon 24 of the DSP gene, results from an A to G substitution at nucleotide position 7990. The threonine at codon 2664 is replaced by alanine, an amino acid with similar properties. This amino acid position is not well conserved in available vertebrate species. In addition, this alteration is predicted to be tolerated by in silico analysis. Based on the available evidence, the clinical significance of this variant remains unclear.